The following is an entry in ClinVar:

ClinVar aggregate classification (germline): Uncertain significance (1 of 4 stars; one submission).

Conditions:
Hereditary sensory and autonomic neuropathy type 7. Also called: HSAN VII; Neuropathy, hereditary sensory and autonomic, type VII. Identifiers: Orphanet 391397, MedGen C3809882, MONDO:0014244, OMIM 615548.
Familial episodic pain syndrome with predominantly lower limb involvement. Also called: Episodic pain syndrome, familial, 3. Identifiers: Orphanet 391384, Orphanet 391392, MedGen C3809899, MONDO:0014247, OMIM 615552.

Allele frequency attached by ClinVar (database versions not stated): TOPMed 0.00001; gnomAD 0.00003 and 0.00004; gnomAD exomes 0.00004 and 0.00007; ExAC 0.00007.
gnomAD v4.1: 68 of 1,612,844 alleles (0.0042%); highest among the groups gnomAD compares: Middle Eastern, 0.05%; 1 homozygote.

Submission:

Labcorp Genetics (formerly Invitae), Labcorp
Classification: Uncertain significance for Familial episodic pain syndrome with predominantly lower limb involvement; Hereditary sensory and autonomic neuropathy type 7. Last evaluated: 2025-01-28. Review status: criteria provided, single submitter. Criteria: Invitae Variant Classification Sherloc (09022015). Collection method: clinical testing. Allele origin: germline.
Comment: This sequence change replaces glycine, which is neutral and non-polar, with serine, which is neutral and polar, at codon 1284 of the SCN11A protein (p.Gly1284Ser). This variant is present in population databases (rs767982270, gnomAD 0.03%), and has an allele count higher than expected for a pathogenic variant. This variant has not been reported in the literature in individuals affected with SCN11A-related conditions. ClinVar contains an entry for this variant (Variation ID: 649314). Invitae Evidence Modeling of protein sequence and biophysical properties (such as structural, functional, and spatial information, amino acid conservation, physicochemical variation, residue mobility, and thermodynamic stability) indicates that this missense variant is not expected to disrupt SCN11A protein function with a negative predictive value of 80%. In summary, the available evidence is currently insufficient to determine the role of this variant in disease. Therefore, it has been classified as a Variant of Uncertain Significance.

NM_001349253.2(SCN11A):c.3850G>A (p.Gly1284Ser)

Gene: SCN11A (sodium voltage-gated channel alpha subunit 11; minus strand). Cytogenetic location: 3p22.2.
Variant type: single nucleotide variant.
Coding change: c.3850G>A on transcript NM_001349253.2 (MANE Select); coding-DNA position 3850, G replaced by A.
Protein change: p.Gly1284Ser; replaces glycine 1284 with serine.
Molecular consequence: missense variant.
Genome position (GRCh38, 1-based): chr3:38,867,422, C>T on the plus strand (G>A on the coding strand, the complement: SCN11A is on the minus strand). VCF-style: chr3-38867422-C-T. GRCh37 (hg19) VCF-style: chr3-38908913-C-T.
Other names: c.3850G>A, p.Gly1284Ser (NM_014139.3); short protein forms G1284S.
Identifiers: ClinVar variation 649314 (VCV000649314.7), dbSNP rs767982270, ClinGen allele CA2321674.
Genomic context (GRCh38, chr3:38,867,422, plus strand): 5'-TGAAGAGATTCAGAGTGAAGAATGAGCCAAAGATGATAAAGACTACGAAGTAAATGTAAC[C>T]GAGTGAATTGCTCTCAAACTCTGGCTGTTGTTCTTTCTGTTAGAAATTTTTTTAATAAGA-3'
Protein context (NP_001336182.1, residues 1274-1294): QQPEFESNSL[Gly1284Ser]YIYFVVFIIF